The following is an entry in ClinVar:

ClinVar aggregate classification (germline): Uncertain significance (1 of 4 stars; one submission).

Allele frequency attached by ClinVar (database versions not stated): ExAC 0.00001.

Submission:

Labcorp Genetics (formerly Invitae), Labcorp
Classification: Uncertain significance. Last evaluated: 2022-01-28. Review status: criteria provided, single submitter. Criteria: Invitae Variant Classification Sherloc (09022015). Collection method: clinical testing. Allele origin: germline.
Comment: This sequence change replaces glycine, which is neutral and non-polar, with glutamic acid, which is acidic and polar, at codon 246 of the CCDC8 protein (p.Gly246Glu). In summary, the available evidence is currently insufficient to determine the role of this variant in disease. Therefore, it has been classified as a Variant of Uncertain Significance. Algorithms developed to predict the effect of missense changes on protein structure and function output the following: SIFT: "Deleterious"; PolyPhen-2: "Benign"; Align-GVGD: "Class C0". The glutamic acid amino acid residue is found in multiple mammalian species, which suggests that this missense change does not adversely affect protein function. This variant has not been reported in the literature in individuals affected with CCDC8-related conditions. This variant is present in population databases (rs762164577, gnomAD 0.007%).

NM_032040.5(CCDC8):c.737G>A (p.Gly246Glu)

Gene: CCDC8 (coiled-coil domain containing 8 subunit of 3M complex; minus strand). Cytogenetic location: 19q13.32.
Variant type: single nucleotide variant.
Coding change: c.737G>A on transcript NM_032040.5 (MANE Select); coding-DNA position 737, G replaced by A.
Protein change: p.Gly246Glu; replaces glycine 246 with glutamic acid.
Molecular consequence: missense variant.
Genome position (GRCh38, 1-based): chr19:46,412,074, C>T on the plus strand (G>A on the coding strand, the complement: CCDC8 is on the minus strand). VCF-style: chr19-46412074-C-T. GRCh37 (hg19) VCF-style: chr19-46915331-C-T.
Other names: short protein forms G246E.
Identifiers: ClinVar variation 2091000 (VCV002091000.4), dbSNP rs762164577, ClinGen allele CA9528645.